The following is an entry in ClinVar:

NM_002246.3(KCNK3):c.880G>A (p.Gly294Ser)

Gene: KCNK3 (potassium two pore domain channel subfamily K member 3; plus strand). Cytogenetic location: 2p23.3.
Variant type: single nucleotide variant.
Coding change: c.880G>A on transcript NM_002246.3 (MANE Select); coding-DNA position 880, G replaced by A.
Protein change: p.Gly294Ser; replaces glycine 294 with serine.
Molecular consequence: missense variant.
Genome position (GRCh38, 1-based): chr2:26,728,263, G>A. VCF-style: chr2-26728263-G-A. GRCh37 (hg19) VCF-style: chr2-26951131-G-A.
Other names: short protein forms G294S.
Identifiers: ClinVar variation 2085352 (VCV002085352.5), dbSNP rs1029431375, ClinGen allele CA44398277.
Genomic context (GRCh38, chr2:26,728,263, plus strand): 5'-GGAGGGGGTGGCAGCGCGCACACTACGGACACCGCCTCATCCACGGCGGCAGCGGGCGGC[G>A]GCGGCTTCCGCAACGTCTACGCGGAGGTGCTGCACTTCCAGTCCATGTGCTCGTGCCTGT-3'
Protein context (NP_002237.1, residues 284-304): TASSTAAAGG[Gly294Ser]GFRNVYAEVL

ClinVar aggregate classification (germline): Uncertain significance. Review status: criteria provided, multiple submitters, no conflicts (2 of 4 stars). 2 submissions from 2 submitters: Uncertain significance (2). Last evaluated 2024-12-06.

Conditions:
Inborn genetic diseases. Identifiers: MedGen C0950123, MeSH D030342.
Pulmonary hypertension, primary, 4. Identifiers: Orphanet 422, MedGen C3809198, MONDO:0014136, OMIM 615344.

Allele frequency attached by ClinVar (database versions not stated): gnomAD 0.00002; TOPMed 0.00002.
gnomAD v4.1: 16 of 1,586,402 alleles (0.001%); highest among the groups gnomAD compares: Non-Finnish European, 0.0014%; no homozygotes.

Submissions (2):

Ambry Genetics
Classification: Uncertain significance for Inborn genetic diseases. Last evaluated: 2024-12-06. Review status: criteria provided, single submitter. Criteria: Ambry Variant Classification Scheme 2023. Collection method: clinical testing. Allele origin: germline.

Labcorp Genetics (formerly Invitae), Labcorp
Classification: Uncertain significance for Pulmonary hypertension, primary, 4. Last evaluated: 2024-10-18. Review status: criteria provided, single submitter. Criteria: Invitae Variant Classification Sherloc (09022015). Collection method: clinical testing. Allele origin: germline.
Comment: This sequence change replaces glycine, which is neutral and non-polar, with serine, which is neutral and polar, at codon 294 of the KCNK3 protein (p.Gly294Ser). The frequency data for this variant in the population databases is considered unreliable, as metrics indicate poor data quality at this position in the gnomAD database. This variant has not been reported in the literature in individuals affected with KCNK3-related conditions. ClinVar contains an entry for this variant (Variation ID: 2085352). Invitae Evidence Modeling of protein sequence and biophysical properties (such as structural, functional, and spatial information, amino acid conservation, physicochemical variation, residue mobility, and thermodynamic stability) indicates that this missense variant is not expected to disrupt KCNK3 protein function with a negative predictive value of 80%. In summary, the available evidence is currently insufficient to determine the role of this variant in disease. Therefore, it has been classified as a Variant of Uncertain Significance.